The following is an entry in ClinVar:

ClinVar aggregate classification (germline): Conflicting classifications of pathogenicity. Review status: criteria provided, conflicting classifications (1 of 4 stars). 4 submissions from 4 submitters: Uncertain significance (1); Likely benign (2). 1 of the submissions does not count toward it. Last evaluated 2025-12-21.

Conditions:
Meckel-Gruber syndrome. Also called: Dysencephalia splachnocystica; DYSENCEPHALIA SPLANCHNOCYSTICA; GRUBER SYNDROME. Identifiers: Orphanet 564, MedGen C0265215, MONDO:0018921.
Joubert syndrome. Also called: Familial aplasia of the vermis; JOUBERT-BOLTSHAUSER SYNDROME. Identifiers: Orphanet 475, MedGen C5979921, MONDO:0018772.
CC2D2A-related disorder. Also called: CC2D2A-related disorders; CC2D2A-related condition. Identifiers: MedGen CN239313.

Allele frequency attached by ClinVar (database versions not stated): gnomAD exomes 0.00004 and 0.00006; ExAC 0.00005; TOPMed 0.00005; gnomAD 0.00008 and 0.00009; 1000 Genomes Project 0.00020; 1000 Genomes Project 30x 0.00031.
gnomAD v4.1: 67 of 1,548,418 alleles (0.0043%); highest among the groups gnomAD compares: Admixed American, 0.0099%; no homozygotes.

Submissions (4):

Labcorp Genetics (formerly Invitae), Labcorp
Classification: Likely benign for Joubert syndrome; Meckel-Gruber syndrome. Last evaluated: 2025-12-21. Review status: criteria provided, single submitter. Criteria: Invitae Variant Classification Sherloc (09022015). Collection method: clinical testing. Allele origin: germline.

CeGaT Center for Human Genetics Tuebingen
Classification: Likely benign. Last evaluated: 2024-03-01. Review status: criteria provided, single submitter. Criteria: CeGaT Center For Human Genetics Tuebingen Variant Classification Criteria Version 2. Collection method: clinical testing. Allele origin: germline. Affected: yes. Observed: 1 variant allele.
Comment: CC2D2A: BP4

Eurofins Ntd Llc (ga)
Classification: Uncertain significance. Last evaluated: 2017-07-11. Review status: criteria provided, single submitter. Criteria: EGL Classification Definitions 2015. Collection method: clinical testing. Allele origin: germline. Observed: 2 variant alleles, 2 heterozygotes.

PreventionGenetics, part of Exact Sciences
Classification: Likely benign for CC2D2A-related condition. Last evaluated: 2024-07-15. Review status: no assertion criteria provided. Collection method: clinical testing. Allele origin: germline. Not counted in ClinVar's aggregate classification.
Comment: This variant is classified as likely benign based on ACMG/AMP sequence variant interpretation guidelines (Richards et al. 2015 PMID: 25741868, with internal and published modifications).

NM_001378615.1(CC2D2A):c.881-8C>T

Genes: CC2D2A (coiled-coil and C2 domain containing 2A; plus strand), FBXL5 (F-box and leucine rich repeat protein 5; minus strand). Cytogenetic location: 4p15.32.
Variant type: single nucleotide variant.
Coding change: c.881-8C>T on transcript NM_001378615.1 (MANE Select); 8 bases into the intron before coding-DNA position 881, C replaced by T.
Molecular consequence: intron variant.
Genome position (GRCh38, 1-based): chr4:15,515,860, C>T. VCF-style: chr4-15515860-C-T. GRCh37 (hg19) VCF-style: chr4-15517483-C-T.
Other names: c.881-8C>T (NM_001080522.2); c.734-8C>T (NM_001378617.1).
Identifiers: ClinVar variation 593212 (VCV000593212.35), dbSNP rs114387988, ClinGen allele CA2863519.